The following is an entry in ClinVar:

ClinVar aggregate classification (germline): Uncertain significance (1 of 4 stars; one submission).

Conditions:
Nemaline myopathy 2 (NEM2). Also called: Nemaline myopathy 2, autosomal recessive. Identifiers: MedGen C1850569, MONDO:0009725, OMIM 256030.

Submission:

Labcorp Genetics (formerly Invitae), Labcorp
Classification: Uncertain significance for Nemaline myopathy 2. Last evaluated: 2022-08-23. Review status: criteria provided, single submitter. Criteria: Invitae Variant Classification Sherloc (09022015). Collection method: clinical testing. Allele origin: germline.
Comment: This variant is a gross deletion of the genomic region encompassing exon(s) 173 of the NEB gene. This variant would be expected to be in-frame, preserving the integrity of the reading frame. This variant has not been reported in the literature in individuals affected with NEB-related conditions. Experimental studies and prediction algorithms are not available or were not evaluated, and the functional significance of this variant is currently unknown. In summary, the available evidence is currently insufficient to determine the role of this variant in disease. Therefore, it has been classified as a Variant of Uncertain Significance.

NC_000002.12:g.(?_151496931)_(151497043_?)del

Gene: NEB (nebulin; minus strand). Cytogenetic location: 2q23.3.
Variant type: Deletion.
Identifiers: ClinVar variation 833458 (VCV000833458.2).